The following is an entry in ClinVar:

ClinVar aggregate classification (germline): Conflicting classifications of pathogenicity. Review status: criteria provided, conflicting classifications (1 of 4 stars). 3 submissions from 3 submitters: Likely pathogenic (2); Uncertain significance (1). Last evaluated 2026-09-24.

Conditions:
Glycogen storage disease, type VII (GSD7). Also called: GSD VII; MUSCLE PHOSPHOFRUCTOKINASE DEFICIENCY; PFKM DEFICIENCY; TARUI DISEASE. Identifiers: Orphanet 371, MedGen C0017926, MONDO:0009295, OMIM 232800.
Fetal anomalies with a likely genetic cause.

Allele frequency attached by ClinVar (database versions not stated): TOPMed 0.00001; ExAC 0.00002.
gnomAD v4.1: 13 of 1,614,166 alleles (0.00081%); highest among the groups gnomAD compares: Non-Finnish European, 0.0011%; no homozygotes.

Submissions (3):

Genetics Laboratory, Great Ormond Street Hospital NHS Foundation Trust, North Thames Genomic Laboratory Hub
Classification: Uncertain significance for Fetal anomalies with a likely genetic cause. Last evaluated: 2026-09-24. Review status: criteria provided, single submitter. Criteria: ACGS Best Practice Guidelines for Variant Classification in Rare Disease 2024 v1.2. Collection method: clinical testing. Allele origin: germline. Affected: yes.
Comment: PM2_moderate, PVS1_moderate

Fulgent Genetics
Classification: Likely pathogenic for Glycogen storage disease, type VII. Last evaluated: 2024-04-26. Review status: criteria provided, single submitter. Criteria: ACMG Guidelines, 2015. Collection method: clinical testing. Allele origin: germline.

Labcorp Genetics (formerly Invitae), Labcorp
Classification: Likely pathogenic for Glycogen storage disease, type VII. Last evaluated: 2022-05-14. Review status: criteria provided, single submitter. Criteria: Invitae Variant Classification Sherloc (09022015). Collection method: clinical testing. Allele origin: germline.
Comment: This sequence change affects a donor splice site in intron 11 of the PFKM gene. It is expected to disrupt RNA splicing. Variants that disrupt the donor or acceptor splice site typically lead to a loss of protein function (PMID: 16199547), and loss-of-function variants in PFKM are known to be pathogenic (PMID: 7825568, 8037209). This variant is present in population databases (rs766042700, gnomAD 0.003%). In summary, the currently available evidence indicates that the variant is pathogenic, but additional data are needed to prove that conclusively. Therefore, this variant has been classified as Likely Pathogenic. Algorithms developed to predict the effect of sequence changes on RNA splicing suggest that this variant may disrupt the consensus splice site. This variant has not been reported in the literature in individuals affected with PFKM-related conditions.

Literature cited by the submitters: PubMed 16199547 (cited by Labcorp Genetics (formerly Invitae), Labcorp); PubMed 7825568 (cited by Labcorp Genetics (formerly Invitae), Labcorp); PubMed 8037209 (cited by Labcorp Genetics (formerly Invitae), Labcorp).

NM_000289.6(PFKM):c.1062+1G>A

Gene: PFKM (phosphofructokinase, muscle; plus strand). Cytogenetic location: 12q13.11.
Variant type: single nucleotide variant.
Coding change: c.1062+1G>A on transcript NM_000289.6 (MANE Select); the canonical splice donor site of the intron after coding-DNA position 1062, G replaced by A.
Molecular consequence: splice donor variant. On other transcripts: intron variant (1).
Genome position (GRCh38, 1-based): chr12:48,137,847, G>A. VCF-style: chr12-48137847-G-A. GRCh37 (hg19) VCF-style: chr12-48531630-G-A.
Other names: c.937-1438G>A (NM_001354746.2); c.969+1G>A (NM_001363619.2); c.912+1G>A (NM_001354748.2, NM_001354747.2); c.1062+1G>A (NM_001166688.2, NM_001166687.2, NM_001354744.2 and 2 more transcripts); c.1371+1G>A (NM_001354735.1, NM_001354736.1); c.1275+1G>A (NM_001354739.1, NM_001354738.1, NM_001166686.2 and 1 more transcripts); c.1206+1G>A (NM_001354740.1); c.975+1G>A (NM_001354745.2); and 1 more.
Identifiers: ClinVar variation 2153847 (VCV002153847.6), dbSNP rs766042700, ClinGen allele CA6537183.